The following is an entry in ClinVar:

NM_006329.4(FBLN5):c.1040C>T (p.Thr347Ile)

Gene: FBLN5 (fibulin 5; minus strand). Cytogenetic location: 14q32.12.
Variant type: single nucleotide variant.
Coding change: c.1040C>T on transcript NM_006329.4 (MANE Select); coding-DNA position 1040, C replaced by T.
Protein change: p.Thr347Ile; replaces threonine 347 with isoleucine.
Molecular consequence: missense variant.
Genome position (GRCh38, 1-based): chr14:91,877,632, G>A on the plus strand (C>T on the coding strand, the complement: FBLN5 is on the minus strand). VCF-style: chr14-91877632-G-A. GRCh37 (hg19) VCF-style: chr14-92343976-G-A.
Other names: c.1163C>T, p.Thr388Ile (NM_001384158.1); c.1091C>T, p.Thr364Ile (NM_001384159.1); c.1040C>T, p.Thr347Ile (NM_001384160.1); c.872C>T, p.Thr291Ile (NM_001384161.1, NM_001384162.1); short protein forms T388I, T291I, T347I, T364I.
Identifiers: ClinVar variation 1379690 (VCV001379690.6), dbSNP rs1230643704, ClinGen allele CA390640945.

ClinVar aggregate classification (germline): Uncertain significance (1 of 4 stars; one submission).

Submission:

Labcorp Genetics (formerly Invitae), Labcorp
Classification: Uncertain significance. Last evaluated: 2024-10-31. Review status: criteria provided, single submitter. Criteria: Invitae Variant Classification Sherloc (09022015). Collection method: clinical testing. Allele origin: germline.
Comment: This sequence change replaces threonine, which is neutral and polar, with isoleucine, which is neutral and non-polar, at codon 347 of the FBLN5 protein (p.Thr347Ile). This variant is not present in population databases (gnomAD no frequency). This variant has not been reported in the literature in individuals affected with FBLN5-related conditions. ClinVar contains an entry for this variant (Variation ID: 1379690). Invitae Evidence Modeling of protein sequence and biophysical properties (such as structural, functional, and spatial information, amino acid conservation, physicochemical variation, residue mobility, and thermodynamic stability) indicates that this missense variant is not expected to disrupt FBLN5 protein function with a negative predictive value of 80%. In summary, the available evidence is currently insufficient to determine the role of this variant in disease. Therefore, it has been classified as a Variant of Uncertain Significance.